The following is an entry in ClinVar:

NM_006086.4(TUBB3):c.897G>C (p.Met299Ile)

Gene: TUBB3 (tubulin beta 3 class III; plus strand). Cytogenetic location: 16q24.3.
Variant type: single nucleotide variant.
Coding change: c.897G>C on transcript NM_006086.4 (MANE Select); coding-DNA position 897, G replaced by C.
Protein change: p.Met299Ile; replaces methionine 299 with isoleucine.
Molecular consequence: missense variant.
Genome position (GRCh38, 1-based): chr16:89,935,348, G>C. VCF-style: chr16-89935348-G-C. GRCh37 (hg19) VCF-style: chr16-90001756-G-C.
Other names: c.681G>C, p.Met227Ile (NM_001197181.2); short protein forms M227I, M299I.
Identifiers: ClinVar variation 3778471 (VCV003778471.7).

ClinVar aggregate classification (germline): Uncertain significance (1 of 4 stars; one submission).

Submission:

CeGaT Center for Human Genetics Tuebingen
Classification: Uncertain significance. Last evaluated: 2025-03-01. Review status: criteria provided, single submitter. Criteria: CeGaT Center For Human Genetics Tuebingen Variant Classification Criteria Version 2. Collection method: clinical testing. Allele origin: germline. Affected: yes. Observed: 1 variant allele.
Comment: TUBB3: PM2, PP2, PP3